The following is an entry in ClinVar:

ClinVar aggregate classification (germline): Benign/Likely benign. Review status: criteria provided, multiple submitters, no conflicts (2 of 4 stars). 6 submissions from 6 submitters: Benign (1); Likely benign (5). Last evaluated 2026-07-22.

Conditions:
Classic or attenuated familial adenomatous polyposis. Identifiers: MedGen CN372698, MONDO:0021057.
APC-related disorder. Also called: APC-related condition.
Hereditary cancer-predisposing syndrome. Also called: Neoplastic Syndromes, Hereditary; Tumor predisposition; Hereditary neoplastic syndrome; Hereditary Cancer Syndrome. Identifiers: Orphanet 140162, MedGen C0027672, MeSH D009386, MONDO:0015356.
Familial adenomatous polyposis 1 (FAP1). Also called: FAMILIAL ADENOMATOUS POLYPOSIS 1, ATTENUATED; POLYPOSIS, ADENOMATOUS INTESTINAL. Identifiers: MedGen C2713442, MONDO:0021056, OMIM 175100. Disease mechanism: loss of function.

Allele frequency attached by ClinVar (database versions not stated): gnomAD exomes below 0.00001 and 0.00003; gnomAD 0.00001; TOPMed 0.00001.
gnomAD v4.1: 50 of 1,613,610 alleles (0.0031%); highest among the groups gnomAD compares: Non-Finnish European, 0.004%; no homozygotes.

Submissions (6):

PreventionGenetics, part of Exact Sciences
Classification: Likely benign for APC-related condition. Last evaluated: 2026-07-22. Review status: criteria provided, single submitter. Criteria: ACMG Guidelines, 2015. Collection method: clinical testing. Allele origin: germline.
Comment: This variant is classified as likely benign based on ACMG/AMP sequence variant interpretation guidelines (Richards et al. 2015 PMID: 25741868, with internal and published modifications).

Labcorp Genetics (formerly Invitae), Labcorp
Classification: Likely benign for Familial adenomatous polyposis 1. Last evaluated: 2026-02-03. Review status: criteria provided, single submitter. Criteria: Invitae Variant Classification Sherloc (09022015). Collection method: clinical testing. Allele origin: germline.

Myriad Genetics, Inc.
Classification: Benign for Familial adenomatous polyposis 1. Last evaluated: 2024-04-03. Review status: criteria provided, single submitter. Criteria: Myriad Autosomal Dominant, Autosomal Recessive and X-Linked Classification Criteria (2023). Collection method: clinical testing. Allele origin: unknown.
Comment: This variant is considered benign. This variant is a silent/synonymous amino acid change and it is not expected to impact splicing.

All of Us Research Program, National Institutes of Health
Classification: Likely benign for Classic or attenuated familial adenomatous polyposis. Last evaluated: 2023-11-02. Review status: criteria provided, single submitter. Criteria: ACMG Guidelines, 2015. Collection method: clinical testing. Allele origin: germline. Inheritance: Autosomal dominant inheritance. Observed: 6 variant alleles, 6 heterozygotes.
Comment: This study involves interpretation of variants in research participants for the purpose of population health screening. Participant phenotype was not available at the time of variant classification. Additional details can be found in publication PMID: 35346344, PMCID: PMC8962531

Color Diagnostics, LLC DBA Color Health
Classification: Likely benign for Hereditary cancer-predisposing syndrome. Last evaluated: 2016-11-22. Review status: criteria provided, single submitter. Criteria: ACMG Guidelines, 2015. Collection method: clinical testing. Allele origin: germline.

Ambry Genetics
Classification: Likely benign for Hereditary cancer-predisposing syndrome. Last evaluated: 2014-10-28. Review status: criteria provided, single submitter. Criteria: Ambry Variant Classification Scheme 2023. Collection method: clinical testing. Allele origin: germline.

NM_000038.6(APC):c.6063C>T (p.Phe2021=)

Gene: APC (APC regulator of Wnt signaling pathway; plus strand). Cytogenetic location: 5q22.2.
Variant type: single nucleotide variant.
Coding change: c.6063C>T on transcript NM_000038.6 (MANE Select); coding-DNA position 6063, C replaced by T.
Protein change: p.Phe2021=; no amino-acid change (phenylalanine 2021 retained).
Molecular consequence: synonymous variant.
Genome position (GRCh38, 1-based): chr5:112,841,657, C>T. VCF-style: chr5-112841657-C-T. GRCh37 (hg19) VCF-style: chr5-112177354-C-T.
Other names: c.6063C>T, p.Phe2021= (NM_001127510.3, NM_001354895.2); c.6009C>T, p.Phe2003= (NM_001127511.3); c.6117C>T, p.Phe2039= (NM_001354896.2); c.6093C>T, p.Phe2031= (NM_001354897.2); c.5988C>T, p.Phe1996= (NM_001354898.2); c.5979C>T, p.Phe1993= (NM_001354899.2); c.5940C>T, p.Phe1980= (NM_001354900.2); c.5886C>T, p.Phe1962= (NM_001354901.2); and 5 more.
Identifiers: ClinVar variation 186942 (VCV000186942.22), dbSNP rs786203342, ClinGen allele CA010874.
Genomic context (GRCh38, chr5:112,841,657, plus strand): 5'-ACCTCAAGCATCAGGCTATGCTCCTAAATCATTTCATGTTGAAGATACCCCAGTTTGTTT[C>T]TCAAGAAACAGTTCTCTCAGTTCTCTTAGTATTGACTCTGAAGATGACCTGTTGCAGGAA-3'
Protein context (NP_000029.2, residues 2011-2031): SFHVEDTPVC[Phe2021=]SRNSSLSSLS